The following is an entry in ClinVar:

ClinVar aggregate classification (germline): Uncertain significance (1 of 4 stars; one submission).

Conditions:
Developmental and epileptic encephalopathy, 23 (DEE23). Also called: Epileptic encephalopathy, early infantile, 23. Identifiers: Orphanet 411986, MedGen C4014492, MONDO:0014371, OMIM 615859.

gnomAD v4.1: 7 of 1,610,308 alleles (0.00043%); highest among the groups gnomAD compares: East Asian, 0.016%; no homozygotes.

Submission:

Juno Genomics, Hangzhou Juno Genomics, Inc
Classification: Uncertain significance for Developmental and epileptic encephalopathy, 23. Review status: criteria provided, single submitter. Criteria: ACMG Guidelines, 2015. Collection method: clinical testing. Allele origin: germline.
Comment: Absent from controls (or at extremely low frequency if recessive) in Genome Aggregation Database.;Multiple lines of computational evidence support a deleterious effect on the gene or gene product.

NM_001367561.1(DOCK7):c.2759G>T (p.Gly920Val)

Gene: DOCK7 (dedicator of cytokinesis 7; minus strand). Cytogenetic location: 1p31.3.
Variant type: single nucleotide variant.
Coding change: c.2759G>T on transcript NM_001367561.1 (MANE Select); coding-DNA position 2759, G replaced by T.
Protein change: p.Gly920Val; replaces glycine 920 with valine.
Molecular consequence: missense variant.
Genome position (GRCh38, 1-based): chr1:62,552,739, C>A on the plus strand (G>T on the coding strand, the complement: DOCK7 is on the minus strand). VCF-style: chr1-62552739-C-A. GRCh37 (hg19) VCF-style: chr1-63018410-C-A.
Other names: c.2759G>T, p.Gly920Val (NM_001272000.2, NM_001272001.2, NM_001330614.2 and 2 more transcripts); short protein forms G920V.
Identifiers: ClinVar variation 5006967 (VCV005006967.2).
Genomic context (GRCh38, chr1:62,552,739, plus strand): 5'-TCGTTTGTTCACAAAACAAAAACCAAATTTACAGATGCATGTCTTCAGTTTACCTTACTC[C>A]CGATGATTGATCGAACTTCATCATCTGGTGACGTGGGAGTCCCAGATATATCTGGATTGC-3'
Protein context (NP_001354490.1, residues 910-930): SPDDEVRSII[Gly920Val]SKGLDRSNSW